The following is an entry in ClinVar:

NM_005337.5(NCKAP1L):c.1688G>A (p.Arg563His)

Gene: NCKAP1L (NCK associated protein 1 like; plus strand). Cytogenetic location: 12q13.2.
Variant type: single nucleotide variant.
Coding change: c.1688G>A on transcript NM_005337.5 (MANE Select); coding-DNA position 1688, G replaced by A.
Protein change: p.Arg563His; replaces arginine 563 with histidine.
Molecular consequence: missense variant.
Genome position (GRCh38, 1-based): chr12:54,520,756, G>A. VCF-style: chr12-54520756-G-A. GRCh37 (hg19) VCF-style: chr12-54914540-G-A.
Other names: c.1538G>A, p.Arg513His (NM_001184976.2); short protein forms R563H, R513H.
Identifiers: ClinVar variation 1918650 (VCV001918650.2), dbSNP rs752125351, ClinGen allele CA6609232.

ClinVar aggregate classification (germline): Uncertain significance (1 of 4 stars; one submission).

Allele frequency attached by ClinVar (database versions not stated): gnomAD 0.00002; TOPMed 0.00003; gnomAD exomes 0.00004; ExAC 0.00007.
gnomAD v4.1: 58 of 1,613,888 alleles (0.0036%); highest among the groups gnomAD compares: South Asian, 0.033%; 1 homozygote.

Submission:

Labcorp Genetics (formerly Invitae), Labcorp
Classification: Uncertain significance. Last evaluated: 2022-07-16. Review status: criteria provided, single submitter. Criteria: Invitae Variant Classification Sherloc (09022015). Collection method: clinical testing. Allele origin: germline.
Comment: This sequence change replaces arginine, which is basic and polar, with histidine, which is basic and polar, at codon 563 of the NCKAP1L protein (p.Arg563His). This variant is present in population databases (rs752125351, gnomAD 0.05%), including at least one homozygous and/or hemizygous individual. This variant has not been reported in the literature in individuals affected with NCKAP1L-related conditions. Algorithms developed to predict the effect of missense changes on protein structure and function are either unavailable or do not agree on the potential impact of this missense change (SIFT: "Deleterious"; PolyPhen-2: "Probably Damaging"; Align-GVGD: "Class C0"). In summary, the available evidence is currently insufficient to determine the role of this variant in disease. Therefore, it has been classified as a Variant of Uncertain Significance.